The following is an entry in ClinVar:

ClinVar aggregate classification (germline): Uncertain significance. Review status: criteria provided, multiple submitters, no conflicts (2 of 4 stars). 2 submissions from 2 submitters: Uncertain significance (2). Last evaluated 2025-07-27.

Conditions:
Diamond-Blackfan anemia 3 (DBA3). Also called: RPS24-Related Diamond-Blackfan Anemia. Identifiers: Orphanet 124, MedGen C1857719, MONDO:0012529, OMIM 610629.
Diamond-Blackfan anemia. Also called: Blackfan Diamond syndrome; Aregenerative anemia chronic congenital; Red cell aplasia, pure hereditary; Congenital hypoplastic anemia; Aase syndrome. Identifiers: Orphanet 124, MedGen C1260899, MeSH D029503, MONDO:0015253, HP:0004810.

gnomAD v4.1: 1 of 1,602,480 alleles (0.000062%); highest among the groups gnomAD compares: African/African-American, 0.0013%; no homozygotes.

Submissions (2):

Labcorp Genetics (formerly Invitae), Labcorp
Classification: Uncertain significance for Diamond-Blackfan anemia. Last evaluated: 2025-07-27. Review status: criteria provided, single submitter. Criteria: Invitae Variant Classification Sherloc (09022015). Collection method: clinical testing. Allele origin: germline.
Comment: This sequence change replaces lysine, which is basic and polar, with arginine, which is basic and polar, at codon 83 of the RPS24 protein (p.Lys83Arg). This variant is not present in population databases (gnomAD no frequency). This variant has not been reported in the literature in individuals affected with RPS24-related conditions. ClinVar contains an entry for this variant (Variation ID: 3598123). An algorithm developed to predict the effect of missense changes on protein structure and function (PolyPhen-2) suggests that this variant is likely to be tolerated. In summary, the available evidence is currently insufficient to determine the role of this variant in disease. Therefore, it has been classified as a Variant of Uncertain Significance.

Fulgent Genetics
Classification: Uncertain significance for Diamond-Blackfan anemia 3. Last evaluated: 2024-02-20. Review status: criteria provided, single submitter. Criteria: ACMG Guidelines, 2015. Collection method: clinical testing. Allele origin: germline.

NM_033022.4(RPS24):c.248A>G (p.Lys83Arg)

Gene: RPS24 (ribosomal protein S24; plus strand). Cytogenetic location: 10q22.3.
Variant type: single nucleotide variant.
Coding change: c.248A>G on transcript NM_033022.4 (MANE Select); coding-DNA position 248, A replaced by G.
Protein change: p.Lys83Arg; replaces lysine 83 with arginine.
Molecular consequence: missense variant.
Genome position (GRCh38, 1-based): chr10:78,035,689, A>G. VCF-style: chr10-78035689-A-G. GRCh37 (hg19) VCF-style: chr10-79795447-A-G.
Other names: c.248A>G, p.Lys83Arg (NM_001026.5, NM_001142282.2, NM_001142283.2 and 2 more transcripts); short protein forms K83R.
Identifiers: ClinVar variation 3598123 (VCV003598123.2).